The following is an entry in ClinVar:

ClinVar aggregate classification (germline): Uncertain significance (1 of 4 stars; one submission).

Submission:

Ambry Genetics
Classification: Uncertain significance. Last evaluated: 2022-03-01. Review status: criteria provided, single submitter. Criteria: Ambry Variant Classification Scheme 2023. Collection method: clinical testing. Allele origin: germline.
Comment: The p.N203I variant (also known as c.608A>T), located in coding exon 1 of the EGLN1 gene, results from an A to T substitution at nucleotide position 608. The asparagine at codon 203 is replaced by isoleucine, an amino acid with dissimilar properties. This amino acid position is conserved. In addition, this alteration is predicted to be tolerated by in silico analysis. Since supporting evidence is limited at this time, the clinical significance of this alteration remains unclear.

NM_022051.3(EGLN1):c.608A>T (p.Asn203Ile)

Gene: EGLN1 (egl-9 family hypoxia inducible factor 1; minus strand). Cytogenetic location: 1q42.2.
Variant type: single nucleotide variant.
Coding change: c.608A>T on transcript NM_022051.3 (MANE Select); coding-DNA position 608, A replaced by T.
Protein change: p.Asn203Ile; replaces asparagine 203 with isoleucine.
Molecular consequence: missense variant.
Genome position (GRCh38, 1-based): chr1:231,421,281, T>A on the plus strand (A>T on the coding strand, the complement: EGLN1 is on the minus strand). VCF-style: chr1-231421281-T-A. GRCh37 (hg19) VCF-style: chr1-231557027-T-A.
Other names: c.608A>T, p.Asn203Ile (NM_001377260.1, NM_001377261.1); short protein forms N203I.
Identifiers: ClinVar variation 3227730 (VCV003227730.1), dbSNP rs2527359331, ClinGen allele CA345236330.